The following is an entry in ClinVar:

NM_002951.5(RPN2):c.692A>G (p.Asp231Gly)

Gene: RPN2 (ribophorin II; plus strand). Cytogenetic location: 20q11.23.
Variant type: single nucleotide variant.
Coding change: c.692A>G on transcript NM_002951.5 (MANE Select); coding-DNA position 692, A replaced by G.
Protein change: p.Asp231Gly; replaces aspartic acid 231 with glycine.
Molecular consequence: missense variant.
Genome position (GRCh38, 1-based): chr20:37,207,274, A>G. VCF-style: chr20-37207274-A-G. GRCh37 (hg19) VCF-style: chr20-35835677-A-G.
Other names: c.596A>G, p.Asp199Gly (NM_001135771.3); c.692A>G, p.Asp231Gly (NM_001324299.2, NM_001324302.2, NM_001324303.2 and 1 more transcripts); c.740A>G, p.Asp247Gly (NM_001324301.2, NM_001324305.2); c.221A>G, p.Asp74Gly (NM_001324306.2); short protein forms D247G, D199G, D231G, D74G.
Identifiers: ClinVar variation 2776805 (VCV002776805.3), dbSNP rs376754280, ClinGen allele CA9846970.
Genomic context (GRCh38, chr20:37,207,274, plus strand): 5'-TGGCCCTCCCACCTTCCCAGCAGAGGAAGAGAAACAGCTGCATTTCGCATTTCTTTCAGG[A>G]TCAGGTCATCCAGCTGATGAACGCGATCTTCAGCAAGAAGAACTTTGAGTCCCTCTCCGA-3'
Protein context (NP_002942.2, residues 221-241): HVGTEPSIKE[Asp231Gly]QVIQLMNAIF

ClinVar aggregate classification (germline): Uncertain significance (1 of 4 stars; one submission).

Conditions:
Congenital disorder of glycosylation (CDG). Also called: Carbohydrate-deficient glycoprotein syndrome; Congenital disorders of glycosylation. Identifiers: Orphanet 137, MedGen C0282577, MONDO:0015286.

Allele frequency attached by ClinVar (database versions not stated): gnomAD exomes below 0.00001; ExAC 0.00001; ESP Exome Variant Server 0.00008.
gnomAD v4.1: 3 of 1,613,436 alleles (0.00019%); highest among the groups gnomAD compares: Non-Finnish European, 0.00025%; no homozygotes.

Submission:

Labcorp Genetics (formerly Invitae), Labcorp
Classification: Uncertain significance for Congenital disorder of glycosylation. Last evaluated: 2023-11-13. Review status: criteria provided, single submitter. Criteria: Invitae Variant Classification Sherloc (09022015). Collection method: clinical testing. Allele origin: germline.
Comment: This sequence change replaces aspartic acid, which is acidic and polar, with glycine, which is neutral and non-polar, at codon 231 of the RPN2 protein (p.Asp231Gly). This variant is present in population databases (rs376754280, gnomAD 0.0009%). This variant has not been reported in the literature in individuals affected with RPN2-related conditions. An algorithm developed to predict the effect of missense changes on protein structure and function (PolyPhen-2) suggests that this variant is likely to be disruptive. In summary, the available evidence is currently insufficient to determine the role of this variant in disease. Therefore, it has been classified as a Variant of Uncertain Significance.